The following is an entry in ClinVar:

ClinVar aggregate classification (germline): Uncertain significance (1 of 4 stars; one submission).

Allele frequency attached by ClinVar (database versions not stated): gnomAD exomes below 0.00001; ExAC 0.00001.
gnomAD v4.1: 5 of 1,612,550 alleles (0.00031%); highest among the groups gnomAD compares: Non-Finnish European, 0.00042%; no homozygotes.

Submission:

Labcorp Genetics (formerly Invitae), Labcorp
Classification: Uncertain significance. Last evaluated: 2022-04-23. Review status: criteria provided, single submitter. Criteria: Invitae Variant Classification Sherloc (09022015). Collection method: clinical testing. Allele origin: germline.
Comment: This sequence change replaces alanine, which is neutral and non-polar, with threonine, which is neutral and polar, at codon 829 of the ROR2 protein (p.Ala829Thr). The frequency data for this variant in the population databases is considered unreliable, as metrics indicate poor data quality at this position in the gnomAD database. This variant has not been reported in the literature in individuals affected with ROR2-related conditions. Advanced modeling of protein sequence and biophysical properties (such as structural, functional, and spatial information, amino acid conservation, physicochemical variation, residue mobility, and thermodynamic stability) performed at Invitae indicates that this missense variant is not expected to disrupt ROR2 protein function. In summary, the available evidence is currently insufficient to determine the role of this variant in disease. Therefore, it has been classified as a Variant of Uncertain Significance.

NM_004560.4(ROR2):c.2485G>A (p.Ala829Thr)

Gene: ROR2 (receptor tyrosine kinase like orphan receptor 2; minus strand). Cytogenetic location: 9q22.31.
Variant type: single nucleotide variant.
Coding change: c.2485G>A on transcript NM_004560.4 (MANE Select); coding-DNA position 2485, G replaced by A.
Protein change: p.Ala829Thr; replaces alanine 829 with threonine.
Molecular consequence: missense variant.
Genome position (GRCh38, 1-based): chr9:91,724,009, C>T on the plus strand (G>A on the coding strand, the complement: ROR2 is on the minus strand). VCF-style: chr9-91724009-C-T. GRCh37 (hg19) VCF-style: chr9-94486291-C-T.
Other names: short protein forms A829T.
Identifiers: ClinVar variation 1935247 (VCV001935247.5), dbSNP rs760794107, ClinGen allele CA5120374.